The following is an entry in ClinVar:

NM_025099.6(CTC1):c.2066A>G (p.Tyr689Cys)

Gene: CTC1 (CST telomere replication complex component 1; minus strand). Cytogenetic location: 17p13.1.
Variant type: single nucleotide variant.
Coding change: c.2066A>G on transcript NM_025099.6 (MANE Select); coding-DNA position 2066, A replaced by G.
Protein change: p.Tyr689Cys; replaces tyrosine 689 with cysteine.
Molecular consequence: missense variant. On other transcripts: non-coding transcript variant (1).
Genome position (GRCh38, 1-based): chr17:8,232,222, T>C on the plus strand (A>G on the coding strand, the complement: CTC1 is on the minus strand). VCF-style: chr17-8232222-T-C. GRCh37 (hg19) VCF-style: chr17-8135540-T-C.
Other names: c.2066A>G, p.Tyr689Cys (NM_001411067.1); short protein forms Y689C.
Identifiers: ClinVar variation 2637600 (VCV002637600.5), dbSNP rs746737465, ClinGen allele CA8372168.

ClinVar aggregate classification (germline): Conflicting classifications of pathogenicity. Review status: criteria provided, conflicting classifications (1 of 4 stars). 3 submissions from 3 submitters: Likely pathogenic (1); Uncertain significance (2). Last evaluated 2024-07-29.

Conditions:
Dyskeratosis congenita. Identifiers: Orphanet 1775, MedGen C0265965, MONDO:0015780.
CTC1-related disorder. Also called: CTC1-related condition.

Allele frequency attached by ClinVar (database versions not stated): TOPMed below 0.00001; ExAC 0.00001; gnomAD 0.00001; gnomAD exomes 0.00001.
gnomAD v4.1: 8 of 1,532,180 alleles (0.00052%); highest among the groups gnomAD compares: Non-Finnish European, 0.00061%; no homozygotes.

Submissions (3):

Blueprint Genetics
Classification: Likely pathogenic for CTC1-related disorders. Last evaluated: 2024-07-29. Review status: criteria provided, single submitter. Criteria: ACMG Guidelines, 2015. Collection method: clinical testing. Allele origin: germline. Affected: yes. Observed: 2 variant alleles.

Women's Health and Genetics/Laboratory Corporation of America, LabCorp
Classification: Uncertain significance. Last evaluated: 2023-10-04. Review status: criteria provided, single submitter. Criteria: LabCorp Variant Classification Summary - May 2015. Collection method: clinical testing. Allele origin: germline.
Comment: Variant summary: CTC1 c.2066A>G (p.Tyr689Cys) results in a non-conservative amino acid change in the encoded protein sequence. Five of five in-silico tools predict a damaging effect of the variant on protein function. The variant allele was found at a frequency of 5.6e-06 in 179388 control chromosomes (gnomAD). The available data on variant occurrences in the general population are insufficient to allow any conclusion about variant significance. c.2066A>G has been reported in the literature in the compound heterozygous state in trans with a pathogenic variant in an individual affected with Coats Plus Syndrome/Cerebroretinal Microangiopathy With Calcifications And Cysts 1 (CRMCC) (Lin_2017). These data do not allow any strong conclusion about variant significance. To our knowledge, no experimental evidence demonstrating an impact on protein function has been reported. The following publication has been ascertained in the context of this evaluation (PMID: 29111009). No submitters have cited clinical-significance assessments for this variant to ClinVar after 2014. Based on the evidence outlined above, the variant was classified as uncertain significance.

Labcorp Genetics (formerly Invitae), Labcorp
Classification: Uncertain significance for Dyskeratosis congenita. Last evaluated: 2023-09-13. Review status: criteria provided, single submitter. Criteria: Invitae Variant Classification Sherloc (09022015). Collection method: clinical testing. Allele origin: germline.
Comment: This sequence change replaces tyrosine, which is neutral and polar, with cysteine, which is neutral and slightly polar, at codon 689 of the CTC1 protein (p.Tyr689Cys). In summary, the available evidence is currently insufficient to determine the role of this variant in disease. Therefore, it has been classified as a Variant of Uncertain Significance. Advanced modeling of protein sequence and biophysical properties (such as structural, functional, and spatial information, amino acid conservation, physicochemical variation, residue mobility, and thermodynamic stability) performed at Invitae indicates that this missense variant is expected to disrupt CTC1 protein function. This missense change has been observed in individual(s) with autosomal recessive cerebral microangiopathy with calcifications and cysts aka Coats plus (PMID: 29111009). In at least one individual the data is consistent with being in trans (on the opposite chromosome) from a pathogenic variant. This variant is present in population databases (rs746737465, gnomAD 0.001%).

Literature cited by the submitters: PubMed 29111009 (cited by Women's Health and Genetics/Laboratory Corporation of America, LabCorp and Labcorp Genetics (formerly Invitae), Labcorp).